The following is an entry in ClinVar:

NM_000069.3(CACNA1S):c.4099C>G (p.Leu1367Val)

Gene: CACNA1S (calcium voltage-gated channel subunit alpha1 S; minus strand). Cytogenetic location: 1q32.1.
Variant type: single nucleotide variant.
Coding change: c.4099C>G on transcript NM_000069.3 (MANE Select); coding-DNA position 4099, C replaced by G.
Protein change: p.Leu1367Val; replaces leucine 1367 with valine.
Molecular consequence: missense variant.
Genome position (GRCh38, 1-based): chr1:201,050,998, G>C on the plus strand (C>G on the coding strand, the complement: CACNA1S is on the minus strand). VCF-style: chr1-201050998-G-C. GRCh37 (hg19) VCF-style: chr1-201020126-G-C.
Other names: short protein forms L1367V.
Identifiers: ClinVar variation 1320453 (VCV001320453.4), dbSNP rs1660628086, ClinGen allele CA344149548.

ClinVar aggregate classification (germline): Uncertain significance. Review status: criteria provided, single submitter (1 of 4 stars). 2 submissions from 2 submitters: Uncertain significance (1). 1 of the submissions does not count toward it. Last evaluated 2019-11-14.

Conditions:
Congenital myopathy 18. Also called: DIHYDROPYRIDINE RECEPTOR CONGENITAL MYOPATHY; DHPR CONGENITAL MYOPATHY; Myopathy, congenital, due to dihydropyridine receptor defect. Identifiers: MedGen C5830283, MONDO:0859514, OMIM 620246.

Submissions (2):

GeneDx
Classification: Uncertain significance. Last evaluated: 2019-11-14. Review status: criteria provided, single submitter. Criteria: GeneDx Variant Classification Process June 2021. Collection method: clinical testing. Allele origin: germline. Affected: yes.
Comment: In silico analysis, which includes protein predictors and evolutionary conservation, supports a deleterious effect; Not observed in large population cohorts (Lek et al., 2016); Cultured myotubules from an affected individual demonstrated reduced KCL-induced Ca2+ release, suggesting a defect in excitation-contraction coupling; however studies were not completed in a heterologous expression system (Schartner et al., 2017); This variant is associated with the following publications: (PMID: 28012042)

OMIM
Classification: Pathogenic for CONGENITAL MYOPATHY 18, AUTOSOMAL DOMINANT. Last evaluated: 2024-07-16. Review status: no assertion criteria provided. Collection method: literature only. Allele origin: germline. Not counted in ClinVar's aggregate classification.

Literature cited by the submitters: PubMed 28012042 (cited by OMIM).